The following is an entry in ClinVar:

ClinVar aggregate classification (germline): Likely pathogenic. Review status: criteria provided, multiple submitters, no conflicts (2 of 4 stars). 2 submissions from 2 submitters: Likely pathogenic (2). Last evaluated 2024-10-28.

Conditions:
Dilated cardiomyopathy 1G (CMD1G). Identifiers: Orphanet 154, MedGen C1858763, MONDO:0011400, OMIM 604145.
Autosomal recessive limb-girdle muscular dystrophy type 2J (LGMDR10). Also called: Limb-girdle muscular dystrophy, type 2J; MUSCULAR DYSTROPHY, LIMB-GIRDLE, AUTOSOMAL RECESSIVE 10. Identifiers: Orphanet 140922, MedGen C1837342, MONDO:0012127, OMIM 608807.

Submissions (2):

Labcorp Genetics (formerly Invitae), Labcorp
Classification: Likely pathogenic for Dilated cardiomyopathy 1G; Autosomal recessive limb-girdle muscular dystrophy type 2J. Last evaluated: 2024-10-28. Review status: criteria provided, single submitter. Criteria: Invitae Variant Classification Sherloc (09022015). Collection method: clinical testing. Allele origin: germline.
Comment: This sequence change affects a donor splice site in intron 232 of the TTN gene. It is expected to disrupt RNA splicing and likely results in a truncated or disrupted TTN protein. This variant is not present in population databases (gnomAD no frequency). This variant has not been reported in the literature in individuals affected with TTN-related conditions. ClinVar contains an entry for this variant (Variation ID: 432063). Algorithms developed to predict the effect of sequence changes on RNA splicing suggest that this variant may disrupt the consensus splice site. This variant is located in the I band of TTN (PMID: 25589632). Truncating variants in this region have been reported in individuals affected with autosomal recessive centronuclear myopathy (PMID: 23975875, internal data). Truncating variants in this region have also been identified in individuals affected with autosomal dominant dilated cardiomyopathy and/or cardio-related conditions (PMID: 27869827, 32964742, internal data). In summary, the currently available evidence indicates that the variant is pathogenic, but additional data are needed to prove that conclusively. Therefore, this variant has been classified as Likely Pathogenic.

GeneDx
Classification: Likely pathogenic. Last evaluated: 2016-02-02. Review status: criteria provided, single submitter. Criteria: GeneDx Variant Classification (06012015). Collection method: clinical testing. Allele origin: germline. Affected: yes.
Comment: Although the c.38023+1 G>T likely pathogenic variant has not been reported as a pathogenic variant or as a benign variant to our knowledge, it destroys the canonical splice donor site in intron 182 and is predicted to cause abnormal gene splicing. This variant is predicted to lead to either an abnormal message that is subject to nonsense-mediated mRNA decay, or to an abnormal protein product if the message is used for protein translation. Other truncating TTN variants have been reported in approximately 3% of control alleles (Herman et al., 2012). However, c.38023+1 G>T is located in the A-band region of titin, where the majority of truncating pathogenic variants associated with DCM have been reported (Herman et al., 2012). Furthermore, c.38023+1 G>T was not observed in approximately 6,000 individuals of European and African American ancestry in the NHLBI Exome Sequencing Project, indicating it is not a common benign variant in these populations.In summary, c.38023+1 G>T in the TTN gene is expected to be pathogenic

Literature cited by the submitters: PubMed 25589632 (cited by Labcorp Genetics (formerly Invitae), Labcorp); PubMed 23975875 (cited by Labcorp Genetics (formerly Invitae), Labcorp); PubMed 27869827 (cited by Labcorp Genetics (formerly Invitae), Labcorp); PubMed 32964742 (cited by Labcorp Genetics (formerly Invitae), Labcorp).

NM_001267550.2(TTN):c.42946+1G>T

Gene: TTN (titin; minus strand). Cytogenetic location: 2q31.2.
Variant type: single nucleotide variant.
Coding change: c.42946+1G>T on transcript NM_001267550.2 (MANE Select); the canonical splice donor site of the intron after coding-DNA position 42946, G replaced by T.
Molecular consequence: splice donor variant.
Genome position (GRCh38, 1-based): chr2:178,633,412, C>A on the plus strand (G>T on the coding strand, the complement: TTN is on the minus strand). VCF-style: chr2-178633412-C-A. GRCh37 (hg19) VCF-style: chr2-179498139-C-A.
Other names: c.15751+1G>T (NM_003319.4); c.16327+1G>T (NM_133437.4); c.16126+1G>T (NM_133432.3); c.35242+1G>T (NM_133378.4); c.38023+1G>T (NM_001256850.1).
Identifiers: ClinVar variation 432063 (VCV000432063.12), dbSNP rs1553741531, ClinGen allele CA349653156.